The following is an entry in ClinVar:

NM_032383.5(HPS3):c.793del (p.Ser265fs)

Gene: HPS3 (HPS3 biogenesis of lysosomal organelles complex 2 subunit 1; plus strand). Cytogenetic location: 3q24.
Variant type: Deletion.
Coding change: c.793del on transcript NM_032383.5 (MANE Select); coding-DNA position 793, one base deleted (A; older notation c.793delA).
Protein change: p.Ser265fs; shifts the reading frame from serine 265.
Molecular consequence: frameshift variant.
Genome position (GRCh38, 1-based): chr3:149,141,097, A deleted; the last of 6 consecutive A bases (chr3:149,141,092-149,141,097); deleting any one gives the same sequence. VCF-style (leftmost placement, unchanged base first): chr3-149141091-GA-G. GRCh37 (hg19) VCF-style: chr3-148858878-GA-G.
Other names: c.298del, p.Ser100fs (NM_001308258.2); short protein forms S265fs, S100fs.
Identifiers: ClinVar variation 1451694 (VCV001451694.6), dbSNP rs2108129931, ClinGen allele CA2573136651.
Genomic context (GRCh38, chr3:149,141,091, plus strand): 5'-ATTTCACAGCTTGAGTCAGATGATTTTGTCATCTGCCAGAAGCCCCTGGAACTTCTTGGT[GA>G]AAAAAGTGAACAGTCTGGATTATCTGTTACACTGGAGTCTACGGGATTAGCTGATGAAAA-3'

ClinVar aggregate classification (germline): Pathogenic (1 of 4 stars; one submission).

Submission:

Labcorp Genetics (formerly Invitae), Labcorp
Classification: Pathogenic. Last evaluated: 2021-06-06. Review status: criteria provided, single submitter. Criteria: Invitae Variant Classification Sherloc (09022015). Collection method: clinical testing. Allele origin: germline.
Comment: This sequence change creates a premature translational stop signal (p.Ser265Valfs*15) in the HPS3 gene. It is expected to result in an absent or disrupted protein product. Loss-of-function variants in HPS3 are known to be pathogenic (PMID: 11590544). This variant is not present in population databases (ExAC no frequency). This variant has not been reported in the literature in individuals with HPS3-related conditions. For these reasons, this variant has been classified as Pathogenic.

Literature cited by the submitters: PubMed 11590544.